The following is an entry in ClinVar:

NM_001904.4(CTNNB1):c.1016_1025delinsT (p.Thr339_Arg342delinsIle)

Gene: CTNNB1 (catenin beta 1; plus strand). Cytogenetic location: 3p22.1.
Variant type: Indel.
Coding change: c.1016_1025delinsT on transcript NM_001904.4 (MANE Select); coding-DNA positions 1016 to 1025, CCACAAGCAG replaced by T.
Protein change: p.Thr339_Arg342delinsIle.
Molecular consequence: inframe indel.
Genome position (GRCh38, 1-based): chr3:41,227,287-41,227,296, CCACAAGCAG replaced by T. VCF-style: chr3-41227287-CCACAAGCAG-T. GRCh37 (hg19) VCF-style: chr3-41268778-CCACAAGCAG-T.
Other names: c.1016_1025delinsT, p.Thr339_Arg342delinsIle (NM_001098209.2, NM_001098210.2); c.995_1004delinsT, p.Thr332_Arg335delinsIle (NM_001330729.2).
Identifiers: ClinVar variation 598752 (VCV000598752.3), dbSNP rs1559470315, ClinGen allele CA913190179.

ClinVar aggregate classification (germline): Likely pathogenic (1 of 4 stars; one submission).

Conditions:
Severe intellectual disability-progressive spastic diplegia syndrome (NEDSDV). Also called: CTNNB1 Neurodevelopmental Disorder; NEURODEVELOPMENTAL DISORDER WITH SPASTIC DIPLEGIA AND VISUAL DEFECTS. Identifiers: Orphanet 404473, MedGen C3554449, MONDO:0014035, OMIM 615075.

Submission:

Undiagnosed Diseases Network, NIH
Classification: Likely pathogenic for Severe intellectual disability-progressive spastic diplegia syndrome. Last evaluated: 2018-07-17. Review status: criteria provided, single submitter. Criteria: ACMG Guidelines, 2015. Collection method: clinical testing. Allele origin: de novo. Inheritance: Autosomal dominant inheritance. Affected: yes. Observed: 1 variant allele, 1 heterozygote.
Comment: We feel that this variant fully explains the phenotype observed in our patient.